The following is an entry in ClinVar:

NM_001348716.2(KDM6B):c.1885C>T (p.Arg629Trp)

Gene: KDM6B (lysine demethylase 6B; plus strand). Cytogenetic location: 17p13.1.
Variant type: single nucleotide variant.
Coding change: c.1885C>T on transcript NM_001348716.2 (MANE Select); coding-DNA position 1885, C replaced by T.
Protein change: p.Arg629Trp; replaces arginine 629 with tryptophan.
Molecular consequence: missense variant.
Genome position (GRCh38, 1-based): chr17:7,848,173, C>T. VCF-style: chr17-7848173-C-T. GRCh37 (hg19) VCF-style: chr17-7751491-C-T.
Other names: c.1885C>T, p.Arg629Trp (NM_001080424.2); short protein forms R629W.
Identifiers: ClinVar variation 716227 (VCV000716227.7), dbSNP rs199821311, ClinGen allele CA8360758.
Genomic context (GRCh38, chr17:7,848,173, plus strand): 5'-GCCCCTCCTTCCTCCTGCCACCAAAATACCTCAGGAAGCTTCAGGCGCCCGGAGAGCCCC[C>T]GGCCCAGGGTCTCCTTCCCAAAGACCCCCGAGGTGGGGCCGGGGCCACCCCCAGGCCCCC-3'
Protein context (NP_001335645.1, residues 619-639): SGSFRRPESP[Arg629Trp]PRVSFPKTPE

ClinVar aggregate classification (germline): Benign/Likely benign. Review status: criteria provided, multiple submitters, no conflicts (2 of 4 stars). 2 submissions from 2 submitters: Benign (1); Likely benign (1). Last evaluated 2026-01-01.

Allele frequency attached by ClinVar (database versions not stated): gnomAD exomes 0.00088; ExAC 0.00119; 1000 Genomes Project 0.00339; gnomAD 0.00377 and 0.00411; TOPMed 0.00399; ESP Exome Variant Server 0.00412; 1000 Genomes Project 30x 0.00422.
gnomAD v4.1: 1,127 of 1,612,638 alleles (0.07%); highest among the groups gnomAD compares: African/African-American, 1.4%; 10 homozygotes.

Submissions (2):

CeGaT Center for Human Genetics Tuebingen
Classification: Likely benign. Last evaluated: 2026-01-01. Review status: criteria provided, single submitter. Criteria: CeGaT Center For Human Genetics Tuebingen Variant Classification Criteria Version 2. Collection method: clinical testing. Allele origin: germline. Affected: yes. Observed: 1 variant allele.
Comment: KDM6B: BS1

Labcorp Genetics (formerly Invitae), Labcorp
Classification: Benign. Last evaluated: 2018-03-29. Review status: criteria provided, single submitter. Criteria: Invitae Variant Classification Sherloc (09022015). Collection method: clinical testing. Allele origin: germline.